The following is an entry in ClinVar:

ClinVar aggregate classification (germline): Uncertain significance (1 of 4 stars; one submission).

Conditions:
Agammaglobulinemia 3, autosomal recessive (AGM3). Also called: AGAMMAGLOBULINEMIA 3; AGAMMAGLOBULINEMIA, AUTOSOMAL RECESSIVE, DUE TO CD79A DEFECT. Identifiers: MedGen C3150751, MONDO:0013288, OMIM 613501.

Allele frequency attached by ClinVar (database versions not stated): gnomAD exomes below 0.00001.
gnomAD v4.1: 6 of 1,595,272 alleles (0.00038%); highest among the groups gnomAD compares: Non-Finnish European, 0.00051%; no homozygotes.

Submission:

Labcorp Genetics (formerly Invitae), Labcorp
Classification: Uncertain significance for Agammaglobulinemia 3, autosomal recessive. Last evaluated: 2020-10-09. Review status: criteria provided, single submitter. Criteria: Invitae Variant Classification Sherloc (09022015). Collection method: clinical testing. Allele origin: germline.
Comment: This variant has not been reported in the literature in individuals with CD79A-related conditions. In summary, the available evidence is currently insufficient to determine the role of this variant in disease. Therefore, it has been classified as a Variant of Uncertain Significance. Algorithms developed to predict the effect of missense changes on protein structure and function output the following: SIFT: "Tolerated"; PolyPhen-2: "Benign"; Align-GVGD: "Class C0". The proline amino acid residue is found in multiple mammalian species, suggesting that this missense change does not adversely affect protein function. These predictions have not been confirmed by published functional studies and their clinical significance is uncertain. This variant is not present in population databases (ExAC no frequency). This sequence change replaces leucine with proline at codon 46 of the CD79A protein (p.Leu46Pro). The leucine residue is moderately conserved and there is a moderate physicochemical difference between leucine and proline.

NM_001783.4(CD79A):c.137T>C (p.Leu46Pro)

Genes: CD79A (CD79a molecule; plus strand), RPS19-CD79A (RPS19-CD79A readthrough; plus strand). Cytogenetic location: 19q13.2.
Variant type: single nucleotide variant.
Coding change: c.137T>C on transcript NM_001783.4 (MANE Select); coding-DNA position 137, T replaced by C.
Protein change: p.Leu46Pro; replaces leucine 46 with proline.
Molecular consequence: missense variant.
Genome position (GRCh38, 1-based): chr19:41,879,047, T>C. VCF-style: chr19-41879047-T-C. GRCh37 (hg19) VCF-style: chr19-42383117-T-C.
Other names: c.137T>C, p.Leu46Pro (NM_021601.4); short protein forms L46P.
Identifiers: ClinVar variation 1025028 (VCV001025028.8), dbSNP rs2074204859, ClinGen allele CA406034182.